The following is an entry in ClinVar:

NM_014363.6(SACS):c.13342del (p.Arg4448fs)

Gene: SACS (sacsin molecular chaperone; minus strand). Cytogenetic location: 13q12.12.
Variant type: Deletion.
Coding change: c.13342del on transcript NM_014363.6 (MANE Select); coding-DNA position 13342, one base deleted (C; older notation c.13342delC).
Protein change: p.Arg4448fs; shifts the reading frame from arginine 4448.
Molecular consequence: frameshift variant.
Genome position (GRCh38, 1-based): chr13:23,330,534, G deleted on the plus strand (C on the coding strand, the reverse complement: SACS is on the minus strand). VCF-style (leftmost placement, unchanged base first): chr13-23330533-CG-C. GRCh37 (hg19) VCF-style: chr13-23904672-CG-C.
Other names: c.12901del, p.Arg4301fs (NM_001278055.2); short protein forms R4448fs, R4301fs.
Identifiers: ClinVar variation 1456338 (VCV001456338.6), dbSNP rs2137549635, ClinGen allele CA2573149108.

ClinVar aggregate classification (germline): Pathogenic (1 of 4 stars; one submission).

Conditions:
Spastic paraplegia. Identifiers: MedGen C0037772, HP:0001258.

Submission:

Labcorp Genetics (formerly Invitae), Labcorp
Classification: Pathogenic for Spastic paraplegia. Last evaluated: 2021-11-19. Review status: criteria provided, single submitter. Criteria: Invitae Variant Classification Sherloc (09022015). Collection method: clinical testing. Allele origin: germline.
Comment: For these reasons, this variant has been classified as Pathogenic. This variant disrupts a region of the SACS protein in which other variant(s) (p.Asn4549Asp) have been determined to be pathogenic (PMID: 15156359, 21507954). This suggests that this is a clinically significant region of the protein, and that variants that disrupt it are likely to be disease-causing. This variant has not been reported in the literature in individuals affected with SACS-related conditions. This variant is not present in population databases (gnomAD no frequency). This sequence change creates a premature translational stop signal (p.Arg4448Alafs*4) in the SACS gene. While this is not anticipated to result in nonsense mediated decay, it is expected to disrupt the last 132 amino acid(s) of the SACS protein.

Literature cited by the submitters: PubMed 15156359; PubMed 21507954.